The following is an entry in ClinVar:

ClinVar aggregate classification (germline): Conflicting classifications of pathogenicity. Review status: criteria provided, conflicting classifications (1 of 4 stars). 2 submissions from 2 submitters: Uncertain significance (1); Likely benign (1). Last evaluated 2024-05-08.

Conditions:
Hereditary cancer-predisposing syndrome. Also called: Neoplastic Syndromes, Hereditary; Hereditary Cancer Syndrome; Hereditary neoplastic syndrome; Tumor predisposition. Identifiers: Orphanet 140162, MedGen C0027672, MeSH D009386, MONDO:0015356.
Hereditary breast ovarian cancer syndrome. Also called: Hereditary breast and ovarian cancer syndrome; Hereditary breast and ovarian cancer syndrome (HBOC); Hereditary breast and/or ovarian cancer syndrome; Hereditary breast and ovarian cancer; BRCA1- and BRCA2-Associated Hereditary Breast and Ovarian Cancer; Breast and ovarian cancer. Identifiers: Orphanet 145, MedGen C0677776, MeSH D061325, MONDO:0003582. Disease mechanism: loss of function.

Submissions (2):

Labcorp Genetics (formerly Invitae), Labcorp
Classification: Uncertain significance for Hereditary breast ovarian cancer syndrome. Last evaluated: 2024-05-08. Review status: criteria provided, single submitter. Criteria: Invitae Variant Classification Sherloc (09022015). Collection method: clinical testing. Allele origin: germline.
Comment: This sequence change replaces serine, which is neutral and polar, with leucine, which is neutral and non-polar, at codon 727 of the BRCA2 protein (p.Ser727Leu). This variant is not present in population databases (gnomAD no frequency). This variant has not been reported in the literature in individuals affected with BRCA2-related conditions. ClinVar contains an entry for this variant (Variation ID: 933658). Advanced modeling of protein sequence and biophysical properties (such as structural, functional, and spatial information, amino acid conservation, physicochemical variation, residue mobility, and thermodynamic stability) performed at Invitae indicates that this missense variant is not expected to disrupt BRCA2 protein function with a negative predictive value of 95%. In summary, the available evidence is currently insufficient to determine the role of this variant in disease. Therefore, it has been classified as a Variant of Uncertain Significance.

University of Washington Department of Laboratory Medicine, University of Washington
Classification: Likely benign for Hereditary cancer-predisposing syndrome. Last evaluated: 2023-03-23. Review status: criteria provided, single submitter. Criteria: Dines et al. (Genet Med. 2020). Collection method: curation. Allele origin: germline.
Comment: Missense variant in a coldspot region where missense variants are very unlikely to be pathogenic (PMID:31911673).

BRCA2 exon 11 coldspot. Reclassification based on statistical prior probability.

NM_000059.4(BRCA2):c.2180C>T (p.Ser727Leu)

Gene: BRCA2 (BRCA2 DNA repair associated; plus strand). Cytogenetic location: 13q13.1.
Variant type: single nucleotide variant.
Coding change: c.2180C>T on transcript NM_000059.4 (MANE Select); coding-DNA position 2180, C replaced by T.
Protein change: p.Ser727Leu; replaces serine 727 with leucine.
Molecular consequence: missense variant.
Genome position (GRCh38, 1-based): chr13:32,336,535, C>T. VCF-style: chr13-32336535-C-T. GRCh37 (hg19) VCF-style: chr13-32910672-C-T.
Other names: short protein forms S727L.
Identifiers: ClinVar variation 933658 (VCV000933658.11), dbSNP rs2072451958, ClinGen allele CA387770367.